The following is an entry in ClinVar:

NM_002641.4(PIGA):c.-63+8C>T

Gene: PIGA (phosphatidylinositol glycan anchor biosynthesis class A; minus strand). Cytogenetic location: Xp22.2.
Variant type: single nucleotide variant.
Coding change: c.-63+8C>T on transcript NM_002641.4 (MANE Select); 8 bases into the intron after 63 bases upstream of the start codon, C replaced by T.
Molecular consequence: intron variant.
Genome position (GRCh38, 1-based): chrX:15,335,493, G>A on the plus strand (C>T on the coding strand, the complement: PIGA is on the minus strand). VCF-style: chrX-15335493-G-A. GRCh37 (hg19) VCF-style: chrX-15353615-G-A.
Other names: c.13+8C>T (NM_020473.3).
Identifiers: ClinVar variation 383325 (VCV000383325.6), dbSNP rs188913202, ClinGen allele CA10354208.

ClinVar aggregate classification (germline): Likely benign. Review status: criteria provided, multiple submitters, no conflicts (2 of 4 stars). 5 submissions from 5 submitters: Likely benign (4). 1 of the submissions does not count toward it. Last evaluated 2026-03-17.

Conditions:
PIGA-related disorder. Also called: PIGA-related condition.

Allele frequency attached by ClinVar (database versions not stated): ExAC below 0.00001; TOPMed 0.00009; 1000 Genomes Project 0.00026; 1000 Genomes Project 30x 0.00083.
gnomAD v4.1: 52 of 982,176 alleles (0.0053%); highest among the groups gnomAD compares: East Asian, 0.012%; no homozygotes.

Submissions (5):

Women's Health and Genetics/Laboratory Corporation of America, LabCorp
Classification: Likely benign. Last evaluated: 2026-03-17. Review status: criteria provided, single submitter. Criteria: LabCorp Variant Classification Summary - May 2015. Collection method: clinical testing. Allele origin: germline.
Comment: Variant summary: PIGA c.-63+8C>T is located in the untranslated mRNA region upstream of the initiation codon. The variant allele was found at a frequency of 5.3e-05 in 982176 control chromosomes, including 19 hemizygotes. This frequency is not significantly higher than estimated for disease-causing variants in PIGA, however the observation of several hemizygous controls is not consistent with the early onset/severe presentation of PIGA-related conditions. To our knowledge, no occurrence of c.-63+8C>T in individuals affected with PIGA-related conditions and no experimental evidence demonstrating its impact on protein function have been reported. ClinVar contains an entry for this variant (Variation ID: 383325). Based on the evidence outlined above, the variant was classified as likely benign.

Blueprint Genetics
Classification: Likely benign. Last evaluated: 2024-07-17. Review status: criteria provided, single submitter. Criteria: ACMG Guidelines, 2015. Collection method: clinical testing. Allele origin: germline.

GeneDx
Classification: Likely benign. Last evaluated: 2016-02-04. Review status: criteria provided, single submitter. Criteria: GeneDx Variant Classification (06012015). Collection method: clinical testing. Allele origin: germline. Affected: yes.
Comment: This variant is considered likely benign or benign based on one or more of the following criteria: it is a conservative change, it occurs at a poorly conserved position in the protein, it is predicted to be benign by multiple in silico algorithms, and/or has population frequency not consistent with disease.

Breakthrough Genomics
Classification: Likely benign. Review status: criteria provided, single submitter. Criteria: ACMG Guidelines, 2015. Collection method: not provided. Allele origin: germline. Inheritance: X-linked recessive inheritance. Affected: yes.

PreventionGenetics, part of Exact Sciences
Classification: Likely benign for PIGA-related condition. Last evaluated: 2022-12-22. Review status: no assertion criteria provided. Collection method: clinical testing. Allele origin: germline. Not counted in ClinVar's aggregate classification.
Comment: This variant is classified as likely benign based on ACMG/AMP sequence variant interpretation guidelines (Richards et al. 2015 PMID: 25741868, with internal and published modifications).